The following is an entry in ClinVar:

ClinVar aggregate classification (germline): Uncertain significance (1 of 4 stars; one submission).

Allele frequency attached by ClinVar (database versions not stated): gnomAD 0.00001; TOPMed 0.00001.
gnomAD v4.1: 2 of 1,613,544 alleles (0.00012%); highest among the groups gnomAD compares: African/African-American, 0.0027%; no homozygotes.

Submission:

GeneDx
Classification: Uncertain significance. Last evaluated: 2022-03-09. Review status: criteria provided, single submitter. Criteria: GeneDx Variant Classification Process June 2021. Collection method: clinical testing. Allele origin: germline. Affected: yes.
Comment: Not observed at significant frequency in large population cohorts (gnomAD); In silico analysis supports that this missense variant does not alter protein structure/function; Has not been previously published as pathogenic or benign to our knowledge

NM_032119.4(ADGRV1):c.5554G>C (p.Val1852Leu)

Gene: ADGRV1 (adhesion G protein-coupled receptor V1; plus strand). Cytogenetic location: 5q14.3.
Variant type: single nucleotide variant.
Coding change: c.5554G>C on transcript NM_032119.4 (MANE Select); coding-DNA position 5554, G replaced by C.
Protein change: p.Val1852Leu; replaces valine 1852 with leucine.
Molecular consequence: missense variant. On other transcripts: non-coding transcript variant (1).
Genome position (GRCh38, 1-based): chr5:90,681,344, G>C. VCF-style: chr5-90681344-G-C. GRCh37 (hg19) VCF-style: chr5-89977161-G-C.
Other names: short protein forms V1852L.
Identifiers: ClinVar variation 1704856 (VCV001704856.2), dbSNP rs1360407908, ClinGen allele CA360412188.